The following is an entry in ClinVar:

ClinVar aggregate classification (germline): Uncertain significance. Review status: criteria provided, multiple submitters, no conflicts (2 of 4 stars). 3 submissions from 3 submitters: Uncertain significance (2). 1 of the submissions does not count toward it. Last evaluated 2019-05-04.

Conditions:
Charcot-Marie-Tooth disease type 4D. Also called: NEUROPATHY, HEREDITARY MOTOR AND SENSORY, LOM TYPE; CHARCOT-MARIE-TOOTH DISEASE, DEMYELINATING, AUTOSOMAL RECESSIVE, TYPE 4D; CHARCOT-MARIE-TOOTH DISEASE, DEMYELINATING, TYPE 4D; Charcot-Marie-Tooth Neuropathy Type 4D. Identifiers: Orphanet 99950, MedGen C1832334, MONDO:0011085, OMIM 601455.

Allele frequency attached by ClinVar (database versions not stated): gnomAD exomes 0.00001; TOPMed 0.00001.
gnomAD v4.1: 16 of 1,563,140 alleles (0.001%); highest among the groups gnomAD compares: Non-Finnish European, 0.0013%; no homozygotes.

Submissions (3):

Kariminejad - Najmabadi Pathology & Genetics Center
Classification: Uncertain significance for Charcot-Marie-Tooth disease type 4D. Last evaluated: 2019-05-04. Review status: criteria provided, single submitter. Criteria: ACMG Guidelines, 2015. Collection method: clinical testing. Allele origin: germline. Inheritance: Autosomal recessive inheritance. Affected: yes.
Comment: PM1,PM2,PP4

Athena Diagnostics
Classification: Uncertain significance. Last evaluated: 2016-10-26. Review status: criteria provided, single submitter. Criteria: Athena Diagnostics Criteria. Collection method: clinical testing. Allele origin: germline.

Natera, Inc.
Classification: Uncertain significance for Charcot-Marie-Tooth disease type 4D. Last evaluated: 2021-03-17. Review status: no assertion criteria provided. Collection method: clinical testing. Allele origin: germline. Not counted in ClinVar's aggregate classification.

NM_006096.4(NDRG1):c.965G>A (p.Arg322His)

Gene: NDRG1 (N-myc downstream regulated 1; minus strand). Cytogenetic location: 8q24.22.
Variant type: single nucleotide variant.
Coding change: c.965G>A on transcript NM_006096.4 (MANE Select); coding-DNA position 965, G replaced by A.
Protein change: p.Arg322His; replaces arginine 322 with histidine.
Molecular consequence: missense variant.
Genome position (GRCh38, 1-based): chr8:133,239,098, C>T on the plus strand (G>A on the coding strand, the complement: NDRG1 is on the minus strand). VCF-style: chr8-133239098-C-T. GRCh37 (hg19) VCF-style: chr8-134251341-C-T.
Other names: c.965G>A, p.Arg322His (NM_001135242.2, NM_001374845.1, NM_001374846.1); c.767G>A, p.Arg256His (NM_001258432.2, NM_001374847.1); c.722G>A, p.Arg241His (NM_001258433.2); c.1016G>A, p.Arg339His (NM_001374844.1); short protein forms R322H, R241H, R256H, R339H.
Identifiers: ClinVar variation 447750 (VCV000447750.3), dbSNP rs1307068606, ClinGen allele CA372254621.